The following is an entry in ClinVar:

ClinVar aggregate classification (germline): Pathogenic/Likely pathogenic. Review status: criteria provided, multiple submitters, no conflicts (2 of 4 stars). 7 submissions from 7 submitters: Pathogenic (3); Likely pathogenic (4). Last evaluated 2026-01-14.

Conditions:
SPG11-related disorder. Also called: SPG11-related condition.
Hereditary spastic paraplegia 11. Also called: Spastic paraplegia, mental retardation and thin corpus callosum; SPASTIC PARAPLEGIA, AUTOSOMAL RECESSIVE, COMPLICATED, WITH THIN CORPUS CALLOSUM; SPASTIC PARAPLEGIA, AUTOSOMAL RECESSIVE, WITH MENTAL IMPAIRMENT AND THIN CORPUS CALLOSUM; Spastic Paraplegia 11; Nakamura Osame syndrome; Autosomal recessive hereditary spastic paraplegia, mental impairment, and thin corpus callosum. Identifiers: Orphanet 2822, MedGen C1858479, MONDO:0011445, OMIM 604360.
Amyotrophic lateral sclerosis type 5 (ALS5). Also called: AMYOTROPHIC LATERAL SCLEROSIS 5, JUVENILE. Identifiers: Orphanet 300605, MedGen C1865864, MONDO:0011196, OMIM 602099.
Charcot-Marie-Tooth disease axonal type 2X. Also called: CHARCOT-MARIE-TOOTH DISEASE, AXONAL, AUTOSOMAL RECESSIVE, TYPE 2X; CHARCOT-MARIE-TOOTH NEUROPATHY, TYPE 2X. Identifiers: Orphanet 466775, MedGen C5569024, MONDO:0014726, OMIM 616668.

Allele frequency attached by ClinVar (database versions not stated): gnomAD 0.00001; TOPMed 0.00001; gnomAD exomes 0.00002; ESP Exome Variant Server 0.00016.
gnomAD v4.1: 41 of 1,528,446 alleles (0.0027%); highest among the groups gnomAD compares: Non-Finnish European, 0.0037%; no homozygotes.

Submissions (7):

Labcorp Genetics (formerly Invitae), Labcorp
Classification: Pathogenic for Hereditary spastic paraplegia 11. Last evaluated: 2026-01-14. Review status: criteria provided, single submitter. Criteria: Invitae Variant Classification Sherloc (09022015). Collection method: clinical testing. Allele origin: germline.
Comment: This sequence change falls in intron 12 of the SPG11 gene. It does not directly change the encoded amino acid sequence of the SPG11 protein. RNA analysis indicates that this variant induces altered splicing and may result in an absent or altered protein product. This variant is present in population databases (rs372670941, gnomAD 0.003%). This variant has been observed in individual(s) with hereditary spastic paraplegia (PMID: 34906502; internal data). In at least one individual the data is consistent with being in trans (on the opposite chromosome) from a pathogenic variant. It has also been observed to segregate with disease in related individuals. ClinVar contains an entry for this variant (Variation ID: 316101). Studies have shown that this variant results in skipping of exon 13 or activation of a cryptic splice site, and produces a non-functional protein and/or introduces a premature termination codon (PMID: 34906502). For these reasons, this variant has been classified as Pathogenic.

Illumina Laboratory Services, Illumina
Classification: Pathogenic for Hereditary spastic paraplegia 11. Last evaluated: 2025-04-08. Review status: criteria provided, single submitter. Criteria: ICSLVariantClassificationCriteria RUGD 01 April 2020. Collection method: clinical testing. Allele origin: unknown.

PreventionGenetics, part of Exact Sciences
Classification: Likely pathogenic for SPG11-related condition. Last evaluated: 2024-12-03. Review status: criteria provided, single submitter. Criteria: ACMG Guidelines, 2015. Collection method: clinical testing. Allele origin: germline.
Comment: The SPG11 c.2317-13C>G variant is predicted to interfere with splicing. This variant is predicted to alter splicing based on available splicing prediction programs (SpliceAI, Jaganathan et al. 2019. PubMed ID: 30661751). However, the use of computer prediction programs is not equivalent to functional evidence. This variant has been reported in trans with another SPG11 variant in an individual with spastic paraplegia (Bournazos et al. 2022. PubMed ID: 34906502). Functional studies revealed that this variant resulted in exon skipping of exon 13 or use of a cryptic splice acceptor, in which both splicing effects would be predicted to lead to a frameshift variant (Bournazos et al. 2022. PubMed ID: 34906502). This variant is reported in 0.0038% of alleles in individuals of European (Non-Finnish) descent in gnomAD. This variant is interpreted as likely pathogenic.

Blueprint Genetics
Classification: Likely pathogenic for SPG11-related disorders. Last evaluated: 2024-09-30. Review status: criteria provided, single submitter. Criteria: ACMG Guidelines, 2015. Collection method: clinical testing. Allele origin: germline. Affected: yes. Observed: 2 variant alleles.

GeneDx
Classification: Pathogenic. Last evaluated: 2024-08-19. Review status: criteria provided, single submitter. Criteria: GeneDx Variant Classification Process June 2021. Collection method: clinical testing. Allele origin: germline.
Comment: Reported in an individual with spastic paraplegia who harbored a second SPG11 variant in trans (PMID: 34906502); Published functional studies demonstrate a damaging effect resulting in exon 13 skipping and use of a cryptic acceptor (PMID: 34906502); Not observed at significant frequency in large population cohorts (gnomAD); In silico analysis supports a deleterious effect on splicing; This variant is associated with the following publications: (PMID: 34906502)

Fulgent Genetics
Classification: Likely pathogenic for Amyotrophic lateral sclerosis type 5; Hereditary spastic paraplegia 11; Charcot-Marie-Tooth disease axonal type 2X. Last evaluated: 2024-06-12. Review status: criteria provided, single submitter. Criteria: ACMG Guidelines, 2015. Collection method: clinical testing. Allele origin: germline.

Kids Neuroscience Centre, Sydney Children's Hospitals Network
Classification: Likely pathogenic for Hereditary spastic paraplegia 11. Review status: criteria provided, single submitter. Criteria: Bournazos AM et al. (Genet Med 2021). Collection method: clinical testing. Allele origin: inherited. Inheritance: Autosomal recessive inheritance. Affected: yes. Observed: 1 heterozygote.
Comment: mRNA studies confirm the heterozygous SPG11 c.2317-13C>G variant induces abnormal splicing of SPG11 transcripts. Both abnormal splicing events detected lead to a frameshift and premature termination codon, with clear, damaging consequences for the encoded SPG11 protein. Collective data are consistent with likely pathogenicity of the SPG11 c.2317-13C>G variant. Compound heterozygous variants in SPG11 are consistent with the phenotype of hereditary spastic paraplegia.

Literature cited by the submitters: PubMed 34906502 (cited by Labcorp Genetics (formerly Invitae), Labcorp).

NM_025137.4(SPG11):c.2317-13C>G

Gene: SPG11 (SPG11 vesicle trafficking associated, spatacsin; minus strand). Cytogenetic location: 15q21.1.
Variant type: single nucleotide variant.
Coding change: c.2317-13C>G on transcript NM_025137.4 (MANE Select); 13 bases into the intron before coding-DNA position 2317, C replaced by G.
Molecular consequence: intron variant.
Genome position (GRCh38, 1-based): chr15:44,622,360, G>C on the plus strand (C>G on the coding strand, the complement: SPG11 is on the minus strand). VCF-style: chr15-44622360-G-C. GRCh37 (hg19) VCF-style: chr15-44914558-G-C.
Other names: c.2317-13C>G (NM_001160227.2).
Identifiers: ClinVar variation 316101 (VCV000316101.23), dbSNP rs372670941, ClinGen allele CA10647003.